The following is an entry in ClinVar:

NM_015631.6(TCTN3):c.412G>A (p.Val138Ile)

Gene: TCTN3 (tectonic family member 3; minus strand). Cytogenetic location: 10q24.1.
Variant type: single nucleotide variant.
Coding change: c.412G>A on transcript NM_015631.6 (MANE Select); coding-DNA position 412, G replaced by A.
Protein change: p.Val138Ile; replaces valine 138 with isoleucine.
Molecular consequence: missense variant.
Genome position (GRCh38, 1-based): chr10:95,693,007, C>T on the plus strand (G>A on the coding strand, the complement: TCTN3 is on the minus strand). VCF-style: chr10-95693007-C-T. GRCh37 (hg19) VCF-style: chr10-97452764-C-T.
Other names: c.466G>A, p.Val156Ile (NM_001013840.1); c.412G>A, p.Val138Ile (NM_001143973.2, NM_001410982.1); short protein forms V138I, V156I.
Identifiers: ClinVar variation 2077966 (VCV002077966.1), dbSNP rs1281199624, ClinGen allele CA377711276.

ClinVar aggregate classification (germline): Uncertain significance (1 of 4 stars; one submission).

Conditions:
Joubert syndrome 18 (JBTS18). Identifiers: Orphanet 2754, MedGen C3553758, MONDO:0013896, OMIM 614815.
Orofacial-digital syndrome IV (OFD4). Also called: BARAITSER-BURN SYNDROME; OFD SYNDROME WITH TIBIAL DEFECTS; OFD SYNDROME, BARAITSER-BURN TYPE; OFDS IV; ORAL-FACIAL-DIGITAL SYNDROME, TYPE IV; Orofaciodigital syndrome IV. Identifiers: Orphanet 2753, MedGen C0406727, MONDO:0009794, OMIM 258860.

Allele frequency attached by ClinVar (database versions not stated): gnomAD 0.00002; TOPMed 0.00002.

Submission:

Labcorp Genetics (formerly Invitae), Labcorp
Classification: Uncertain significance for Joubert syndrome 18; Orofacial-digital syndrome IV. Last evaluated: 2022-02-09. Review status: criteria provided, single submitter. Criteria: Invitae Variant Classification Sherloc (09022015). Collection method: clinical testing. Allele origin: germline.
Comment: This sequence change replaces valine, which is neutral and non-polar, with isoleucine, which is neutral and non-polar, at codon 138 of the TCTN3 protein (p.Val138Ile). This variant is not present in population databases (gnomAD no frequency). This variant has not been reported in the literature in individuals affected with TCTN3-related conditions. Algorithms developed to predict the effect of missense changes on protein structure and function output the following: SIFT: "Tolerated"; PolyPhen-2: "Benign"; Align-GVGD: "Class C0". The isoleucine amino acid residue is found in multiple mammalian species, which suggests that this missense change does not adversely affect protein function. In summary, the available evidence is currently insufficient to determine the role of this variant in disease. Therefore, it has been classified as a Variant of Uncertain Significance.